The following is an entry in ClinVar:

NM_000138.5(FBN1):c.7360C>A (p.Pro2454Thr)

Gene: FBN1 (fibrillin 1; minus strand). Cytogenetic location: 15q21.1.
Variant type: single nucleotide variant.
Coding change: c.7360C>A on transcript NM_000138.5 (MANE Select); coding-DNA position 7360, C replaced by A.
Protein change: p.Pro2454Thr; replaces proline 2454 with threonine.
Molecular consequence: missense variant.
Genome position (GRCh38, 1-based): chr15:48,425,462, G>T on the plus strand (C>A on the coding strand, the complement: FBN1 is on the minus strand). VCF-style: chr15-48425462-G-T. GRCh37 (hg19) VCF-style: chr15-48717659-G-T.
Other names: p.Pro2454Thr; short protein forms P2454T.
Identifiers: ClinVar variation 849304 (VCV000849304.28), dbSNP rs1166405014, ClinGen allele CA392327970.

ClinVar aggregate classification (germline): Uncertain significance. Review status: criteria provided, multiple submitters, no conflicts (2 of 4 stars). 14 submissions from 9 submitters: Uncertain significance (14). Last evaluated 2026-08-18.

Conditions:
Geleophysic dysplasia 2 (GPHYSD2). Identifiers: Orphanet 2623, MedGen C3280054, MONDO:0013612, OMIM 614185.
Ectopia lentis 1, isolated, autosomal dominant (ECTOL1). Identifiers: Orphanet 1885, MedGen C3541518, MONDO:0007514, OMIM 129600.
MASS syndrome (OCTD). Also called: OVERLAP CONNECTIVE TISSUE DISEASE; MASS PHENOTYPE. Identifiers: MedGen C1858556, MONDO:0011431, OMIM 604308.
Weill-Marchesani syndrome 2, dominant. Also called: FBN1-Related Weill-Marchesani Syndrome; Weill-Marchesani Syndrome, Autosomal Dominant. Identifiers: Orphanet 2084, MedGen C1869115, MONDO:0012013, OMIM 608328.
Acromicric dysplasia (ACMICD). Also called: Acromicric skeletal dysplasia. Identifiers: Orphanet 969, MedGen C0265287, MONDO:0007055, OMIM 102370.
Marfan syndrome (MFS). Also called: FBN1-Related Marfan Syndrome; Marfan's syndrome; MARFAN SYNDROME, TYPE I; Marfan syndrome type 1; Marfan syndrome, classic. Identifiers: Orphanet 284963, Orphanet 558, MedGen C0024796, MONDO:0007947, OMIM 154700.
Stiff skin syndrome (SSKS). Identifiers: Orphanet 2833, MedGen C1861456, MONDO:0008492, OMIM 184900.
Progeroid and marfanoid aspect-lipodystrophy syndrome. Also called: MARFANOID-PROGEROID-LIPODYSTROPHY SYNDROME; Marfan lipodystrophy syndrome; MARFANOID-PROGEROID SYNDROME; MARFAN-PROGEROID-LIPODYSTROPHY SYNDROME. Identifiers: Orphanet 300382, MedGen C4310796, MONDO:0014831, OMIM 616914.
Familial thoracic aortic aneurysm and aortic dissection (TAAD). Also called: Thoracic aortic aneurysms and dissections. Identifiers: Orphanet 91387, MedGen C4707243, MONDO:0019625.
Weill-Marchesani syndrome. Also called: WM Syndrome; Mesodermal dysmorphodystrophy congenital. Identifiers: Orphanet 3449, MedGen C0265313, MONDO:0018096.

Allele frequency attached by ClinVar (database versions not stated): gnomAD 0.00001; gnomAD exomes 0.00001.
gnomAD v4.1: 9 of 1,614,006 alleles (0.00056%); highest among the groups gnomAD compares: African/African-American, 0.0013%; no homozygotes.

Submissions (14):

GeneDx
Classification: Uncertain significance. Last evaluated: 2026-08-18. Review status: criteria provided, single submitter. Criteria: GeneDx Variant Classification Process June 2021. Collection method: clinical testing. Allele origin: germline.
Comment: Not observed at significant frequency in large population cohorts (gnomAD); In silico analysis supports that this missense variant has a deleterious effect on protein structure/function; Has not been previously published as pathogenic or benign to our knowledge; Does not affect a cysteine or calcium-binding residue within an EGF-like domain or a TGF-binding protein domain of the FBN1 gene; cysteine substitutions in the EGF-like domains represent the majority of pathogenic missense changes associated with FBN1-related disorders (PMID: 12938084); This variant is associated with the following publications: (PMID: 12938084)

Labcorp Genetics (formerly Invitae), Labcorp
Classification: Uncertain significance for Marfan syndrome; Familial thoracic aortic aneurysm and aortic dissection. Last evaluated: 2025-11-28. Review status: criteria provided, single submitter. Criteria: Invitae Variant Classification Sherloc (09022015). Collection method: clinical testing. Allele origin: germline.
Comment: This sequence change replaces proline, which is neutral and non-polar, with threonine, which is neutral and polar, at codon 2454 of the FBN1 protein (p.Pro2454Thr). This variant is present in population databases (no rsID available, gnomAD 0.003%). This missense change has been observed in individual(s) with clinical features of FBN1-related conditions (internal data). ClinVar contains an entry for this variant (Variation ID: 849304). Invitae Evidence Modeling of protein sequence and biophysical properties (such as structural, functional, and spatial information, amino acid conservation, physicochemical variation, residue mobility, and thermodynamic stability) indicates that this missense variant is expected to disrupt FBN1 protein function with a positive predictive value of 95%. In summary, the available evidence is currently insufficient to determine the role of this variant in disease. Therefore, it has been classified as a Variant of Uncertain Significance.

Ambry Genetics
Classification: Uncertain significance for Familial thoracic aortic aneurysm and aortic dissection. Last evaluated: 2025-09-26. Review status: criteria provided, single submitter. Criteria: Ambry Variant Classification Scheme 2023. Collection method: clinical testing. Allele origin: germline.
Comment: The p.P2454T variant (also known as c.7360C>A), located in coding exon 59 of the FBN1 gene, results from a C to A substitution at nucleotide position 7360. The proline at codon 2454 is replaced by threonine, an amino acid with highly similar properties. This variant was reported in individual(s) with features consistent with aortic dilation (Ambry internal data). This amino acid position is highly conserved in available vertebrate species. In addition, the in silico prediction for this alteration is inconclusive. Based on the available evidence, the clinical significance of this variant remains unclear.

Color Diagnostics, LLC DBA Color Health
Classification: Uncertain significance for Familial thoracic aortic aneurysm and aortic dissection. Last evaluated: 2024-03-07. Review status: criteria provided, single submitter. Criteria: ACMG Guidelines, 2015. Collection method: clinical testing. Allele origin: germline.
Comment: This missense variant replaces proline with threonine at codon 2454 of the FBN1 protein. Computational prediction is inconclusive regarding the impact of this variant on protein structure and function (internally defined REVEL score threshold 0.5 < inconclusive < 0.7, PMID: 27666373). To our knowledge, functional studies have not been reported for this variant. This variant has not been reported in individuals affected with cardiovascular disorders in the literature. This variant has been identified in 3/251186 chromosomes in the general population by the Genome Aggregation Database (gnomAD). The available evidence is insufficient to determine the role of this variant in disease conclusively. Therefore, this variant is classified as a Variant of Uncertain Significance.

Fulgent Genetics
Classification: Uncertain significance for Acromicric dysplasia; Ectopia lentis 1, isolated, autosomal dominant; Marfan syndrome; Stiff skin syndrome; MASS syndrome; Weill-Marchesani syndrome 2, dominant; Geleophysic dysplasia 2; Progeroid and marfanoid aspect-lipodystrophy syndrome. Last evaluated: 2024-01-16. Review status: criteria provided, single submitter. Criteria: ACMG Guidelines, 2015. Collection method: clinical testing. Allele origin: germline.

Mayo Clinic Laboratories, Mayo Clinic
Classification: Uncertain significance. Last evaluated: 2023-09-13. Review status: criteria provided, single submitter. Criteria: ACMG Guidelines, 2015. Collection method: clinical testing. Allele origin: germline. Observed: 1 variant allele.
Comment: BS1, PP2

All of Us Research Program, National Institutes of Health
Classification: Uncertain significance for Marfan syndrome. Last evaluated: 2022-12-05. Review status: criteria provided, single submitter. Criteria: ACMG Guidelines, 2015. Collection method: clinical testing. Allele origin: germline. Inheritance: Autosomal dominant inheritance. Observed: 1 variant allele, 1 heterozygote.
Comment: This missense variant replaces proline with threonine at codon 2454 of the FBN1 protein. Computational prediction is inconclusive regarding the impact of this variant on protein structure and function (internally defined REVEL score threshold 0.5 < inconclusive < 0.7, PMID: 27666373). To our knowledge, functional studies have not been reported for this variant. This variant has not been reported in individuals affected with cardiovascular disorders in the literature. This variant has been identified in 3/251186 chromosomes in the general population by the Genome Aggregation Database (gnomAD). The available evidence is insufficient to determine the role of this variant in disease conclusively. Therefore, this variant is classified as a Variant of Uncertain Significance.

This study involves interpretation of variants in research participants for the purpose of population health screening. Participant phenotype was not available at the time of variant classification. Additional details can be found in publication PMID: 35346344, PMCID: PMC8962531

Blueprint Genetics
Classification: Uncertain significance. Last evaluated: 2021-10-21. Review status: criteria provided, single submitter. Criteria: ACMG Guidelines, 2015. Collection method: clinical testing. Allele origin: germline.

Illumina Laboratory Services, Illumina
Classification: Uncertain significance for Ectopia lentis 1, isolated, autosomal dominant. Last evaluated: 2017-04-27. Review status: criteria provided, single submitter. Criteria: ICSL Variant Classification Criteria 13 December 2019. Collection method: clinical testing. Allele origin: germline.

Illumina Laboratory Services, Illumina
Classification: Uncertain significance for Stiff skin syndrome. Last evaluated: 2017-04-27. Review status: criteria provided, single submitter. Criteria: ICSL Variant Classification Criteria 13 December 2019. Collection method: clinical testing. Allele origin: germline.

Illumina Laboratory Services, Illumina
Classification: Uncertain significance for Familial thoracic aortic aneurysm and aortic dissection. Last evaluated: 2017-04-27. Review status: criteria provided, single submitter. Criteria: ICSL Variant Classification Criteria 13 December 2019. Collection method: clinical testing. Allele origin: germline.

Illumina Laboratory Services, Illumina
Classification: Uncertain significance for Acromicric dysplasia. Last evaluated: 2017-04-27. Review status: criteria provided, single submitter. Criteria: ICSL Variant Classification Criteria 13 December 2019. Collection method: clinical testing. Allele origin: germline.

Illumina Laboratory Services, Illumina
Classification: Uncertain significance for Marfan syndrome. Last evaluated: 2017-04-27. Review status: criteria provided, single submitter. Criteria: ICSL Variant Classification Criteria 13 December 2019. Collection method: clinical testing. Allele origin: germline.

Illumina Laboratory Services, Illumina
Classification: Uncertain significance for Weill-Marchesani syndrome. Last evaluated: 2017-04-27. Review status: criteria provided, single submitter. Criteria: ICSL Variant Classification Criteria 13 December 2019. Collection method: clinical testing. Allele origin: germline.